The following is an entry in ClinVar:

NM_015335.5(MED13L):c.5073G>C (p.Glu1691Asp)

Gene: MED13L (mediator complex subunit 13L; minus strand). Cytogenetic location: 12q24.21.
Variant type: single nucleotide variant.
Coding change: c.5073G>C on transcript NM_015335.5 (MANE Select); coding-DNA position 5073, G replaced by C.
Protein change: p.Glu1691Asp; replaces glutamic acid 1691 with aspartic acid.
Molecular consequence: missense variant.
Genome position (GRCh38, 1-based): chr12:115,982,486, C>G on the plus strand (G>C on the coding strand, the complement: MED13L is on the minus strand). VCF-style: chr12-115982486-C-G. GRCh37 (hg19) VCF-style: chr12-116420291-C-G.
Other names: short protein forms E1691D.
Identifiers: ClinVar variation 3366040 (VCV003366040.1).

ClinVar aggregate classification (germline): Uncertain significance (1 of 4 stars; one submission).

Submission:

GeneDx
Classification: Uncertain significance. Last evaluated: 2023-10-18. Review status: criteria provided, single submitter. Criteria: GeneDx Variant Classification Process June 2021. Collection method: clinical testing. Allele origin: germline. Affected: yes.
Comment: Not observed at significant frequency in large population cohorts (gnomAD); In silico analysis supports that this missense variant does not alter protein structure/function; Has not been previously published as pathogenic or benign to our knowledge